The following is an entry in ClinVar:

NM_001369268.1(ACAN):c.5895_5899del (p.Gly1966fs)

Gene: ACAN (aggrecan; plus strand). Cytogenetic location: 15q26.1.
Variant type: Deletion.
Coding change: c.5895_5899del on transcript NM_001369268.1 (MANE Select); coding-DNA positions 5895 to 5899, 5 bases deleted (TGGTG; older notation c.5895_5899delTGGTG).
Protein change: p.Gly1966fs; shifts the reading frame from glycine 1966.
Molecular consequence: frameshift variant.
Genome position (GRCh38, 1-based): chr15:88,858,480-88,858,484, TGGTG deleted; deleting any 5 consecutive bases within chr15:88,858,479-88,858,484 gives the same sequence; the c. name uses the placement nearest the transcript's 3' end. VCF-style (leftmost placement, unchanged base first): chr15-88858478-AGTGGT-A. GRCh37 (hg19) VCF-style: chr15-89401709-AGTGGT-A.
Other names: c.5895_5899del, p.Gly1966fs (NM_001135.4, NM_001411096.1, NM_001411097.1 and 1 more transcripts); short protein forms G1966fs.
Identifiers: ClinVar variation 4866114 (VCV004866114.1).

ClinVar aggregate classification (germline): Pathogenic (1 of 4 stars; one submission).

Conditions:
Inborn genetic diseases. Identifiers: MedGen C0950123, MeSH D030342.

Submission:

Ambry Genetics
Classification: Pathogenic for Inborn genetic diseases. Last evaluated: 2026-03-23. Review status: criteria provided, single submitter. Criteria: Ambry Variant Classification Scheme 2023. Collection method: clinical testing. Allele origin: germline.
Comment: The c.5895_5899delTGGTG (p.G1966Sfs*38) alteration, located in exon 12 (coding exon 11) of the ACAN gene, consists of a deletion of 5 nucleotides from position 5895 to 5899, causing a translational frameshift with a predicted alternate stop codon after 38 amino acids. This variant is expected to result in loss of function by premature protein truncation or nonsense-mediated mRNA decay. This variant was not reported in population-based cohorts in the Genome Aggregation Database (gnomAD). Based on the available evidence, this alteration is classified as pathogenic.